The following is an entry in ClinVar:

ClinVar aggregate classification (germline): Likely benign (1 of 4 stars; one submission).

Submission:

CeGaT Center for Human Genetics Tuebingen
Classification: Likely benign. Last evaluated: 2023-04-01. Review status: criteria provided, single submitter. Criteria: CeGaT Center For Human Genetics Tuebingen Variant Classification Criteria Version 2. Collection method: clinical testing. Allele origin: germline. Affected: yes. Observed: 1 variant allele.
Comment: TTN: PM2:Supporting, BP4, BP7

NM_001267550.2(TTN):c.36864A>C (p.Pro12288=)

Gene: TTN (titin; minus strand). Cytogenetic location: 2q31.2.
Variant type: single nucleotide variant.
Coding change: c.36864A>C on transcript NM_001267550.2 (MANE Select); coding-DNA position 36864, A replaced by C.
Protein change: p.Pro12288=; no amino-acid change (proline 12288 retained).
Molecular consequence: synonymous variant. On other transcripts: intron variant (5).
Genome position (GRCh38, 1-based): chr2:178,662,739, T>G on the plus strand (A>C on the coding strand, the complement: TTN is on the minus strand). VCF-style: chr2-178662739-T-G. GRCh37 (hg19) VCF-style: chr2-179527466-T-G.
Other names: c.13283-20422A>C (NM_003319.4); c.13859-20422A>C (NM_133437.4); c.13658-20422A>C (NM_133432.3); c.31573+227A>C (NM_133378.4); c.34354+227A>C (NM_001256850.1).
Identifiers: ClinVar variation 2651661 (VCV002651661.24), dbSNP rs1330227422, ClinGen allele CA430116742.